The following is an entry in ClinVar:

NM_002295.6(RPSA):c.108G>C (p.Gln36His)

Gene: RPSA (ribosomal protein SA; plus strand). Cytogenetic location: 3p22.1.
Variant type: single nucleotide variant.
Coding change: c.108G>C on transcript NM_002295.6 (MANE Select); coding-DNA position 108, G replaced by C.
Protein change: p.Gln36His; replaces glutamine 36 with histidine.
Molecular consequence: missense variant.
Genome position (GRCh38, 1-based): chr3:39,407,761, G>C. VCF-style: chr3-39407761-G-C. GRCh37 (hg19) VCF-style: chr3-39449252-G-C.
Other names: c.108G>C, p.Gln36His (NM_001012321.1, NM_001304288.2); short protein forms Q36H.
Identifiers: ClinVar variation 1937283 (VCV001937283.5), dbSNP rs17856149, ClinGen allele CA73044241.
Genomic context (GRCh38, chr3:39,407,761, plus strand): 5'-TAAGTTCCTTGCAGCAGGAACCCACTTAGGTGGCACCAATCTTGACTTCCAGATGGAACA[G>C]TACATCTATAAAAGGAAAAGTGATGGTTAGTCATTGCTTTAATTTTTTGTTACTCCAGCT-3'
Protein context (NP_002286.2, residues 26-46): GGTNLDFQME[Gln36His]YIYKRKSDGI

ClinVar aggregate classification (germline): Uncertain significance (1 of 4 stars; one submission).

Allele frequency attached by ClinVar (database versions not stated): gnomAD exomes below 0.00001.
gnomAD v4.1: 2 of 1,597,612 alleles (0.00013%); highest among the groups gnomAD compares: Non-Finnish European, 0.00017%; no homozygotes.

Submission:

Labcorp Genetics (formerly Invitae), Labcorp
Classification: Uncertain significance. Last evaluated: 2022-06-22. Review status: criteria provided, single submitter. Criteria: Invitae Variant Classification Sherloc (09022015). Collection method: clinical testing. Allele origin: germline.
Comment: This sequence change replaces glutamine, which is neutral and polar, with histidine, which is basic and polar, at codon 36 of the RPSA protein (p.Gln36His). This variant is not present in population databases (gnomAD no frequency). This variant has not been reported in the literature in individuals affected with RPSA-related conditions. Algorithms developed to predict the effect of missense changes on protein structure and function are either unavailable or do not agree on the potential impact of this missense change (SIFT: "Deleterious"; PolyPhen-2: "Benign"; Align-GVGD: "Class C0"). In summary, the available evidence is currently insufficient to determine the role of this variant in disease. Therefore, it has been classified as a Variant of Uncertain Significance.